The following is an entry in ClinVar:

ClinVar aggregate classification (germline): Likely benign (1 of 4 stars; one submission).

Conditions:
Renal tubular dysgenesis. Also called: Renotubular dysgenesis. Identifiers: Orphanet 3033, MedGen C0266313, MONDO:0017609, HP:0008660.

Allele frequency attached by ClinVar (database versions not stated): gnomAD exomes 0.00010; TOPMed 0.00019; gnomAD 0.00023 and 0.00024; 1000 Genomes Project 30x 0.00047; 1000 Genomes Project 0.00060.
gnomAD v4.1: 98 of 789,742 alleles (0.012%); highest among the groups gnomAD compares: African/African-American, 0.076%; no homozygotes.

Submission:

Illumina Laboratory Services, Illumina
Classification: Likely benign for Renal tubular dysgenesis of genetic origin. Last evaluated: 2018-01-12. Review status: criteria provided, single submitter. Criteria: ICSL Variant Classification Criteria 13 December 2019. Collection method: clinical testing. Allele origin: germline.
Comment: This variant was observed in the ICSL laboratory as part of a predisposition screen in an ostensibly healthy population. It had not been previously curated by ICSL or reported in the Human Gene Mutation Database (HGMD: prior to June 1st, 2018), and was therefore a candidate for classification through an automated scoring system. Utilizing variant allele frequency, disease prevalence and penetrance estimates, and inheritance mode, an automated score was calculated to assess if this variant is too frequent to cause the disease. Based on the score and internal cut-off values, a variant classified as likely benign is not then subjected to further curation. The score for this variant resulted in a classification of likely benign for this disease.

NC_000001.11:g.230702982C>T

Gene: AGT (angiotensinogen; minus strand). Cytogenetic location: 1q42.2.
Variant type: single nucleotide variant.
Genome position: GRCh38 VCF-style: chr1-230702982-C-T. GRCh37 (hg19) VCF-style: chr1-230838728-C-T.
Other names: NM_000029.3:c.*159G>A.
Identifiers: ClinVar variation 875820 (VCV000875820.4), dbSNP rs61751079, ClinGen allele CA38863296.